The following is an entry in ClinVar:

NM_020297.4(ABCC9):c.931G>C (p.Gly311Arg)

Gene: ABCC9 (ATP binding cassette subfamily C member 9; minus strand). Cytogenetic location: 12p12.1.
Variant type: single nucleotide variant.
Coding change: c.931G>C on transcript NM_020297.4 (MANE Select); coding-DNA position 931, G replaced by C.
Protein change: p.Gly311Arg; replaces glycine 311 with arginine.
Molecular consequence: missense variant.
Genome position (GRCh38, 1-based): chr12:21,912,952, C>G on the plus strand (G>C on the coding strand, the complement: ABCC9 is on the minus strand). VCF-style: chr12-21912952-C-G. GRCh37 (hg19) VCF-style: chr12-22065886-C-G.
Other names: c.931G>C, p.Gly311Arg (NM_001377273.1, NM_005691.4); c.67G>C, p.Gly23Arg (NM_001377274.1); short protein forms G23R, G311R.
Identifiers: ClinVar variation 1309688 (VCV001309688.2), dbSNP rs2137891274, ClinGen allele CA384121179.

ClinVar aggregate classification (germline): Uncertain significance (1 of 4 stars; one submission).

Submission:

GeneDx
Classification: Uncertain significance. Last evaluated: 2019-10-30. Review status: criteria provided, single submitter. Criteria: GeneDx Variant Classification Process June 2021. Collection method: clinical testing. Allele origin: germline. Affected: yes.
Comment: Not observed in large population cohorts (Lek et al., 2016); In silico analysis, which includes protein predictors and evolutionary conservation, supports a deleterious effect; Has not been previously published as pathogenic or benign to our knowledge